The following is an entry in ClinVar:

NC_000012.12:g.7840720_7973149dup

Genes: SLC2A14 (solute carrier family 2 member 14; minus strand), SLC2A3 (solute carrier family 2 member 3; minus strand), LOC116268429 (CRISPRi-validated cis-regulatory element chr12.441; plus strand), LOC116268430 (CRISPRi-validated cis-regulatory element chr12.444; plus strand), LOC116268431 (CRISPRi-validated cis-regulatory element chr12.445; plus strand) and 5 more. Cytogenetic location: 12p13.31.
Variant type: Duplication.
Identifiers: ClinVar variation 157238 (VCV000157238.3).

ClinVar aggregate classification (germline): not provided (0 of 4 stars; one submission).

Conditions:
Normal pregnancy. Identifiers: MedGen C0232989.

Submission:

Institute of Molecular and Cell Biology, University of Tartu
No classification provided. Condition: Normal pregnancy. Review status: no classification provided. Collection method: case-control. Allele origin: unknown. Affected: yes. Study: Kasak2014.
Comment: The study aimed to determine the contribution of copy number variants in the genetic etiology of normal and complicated pregnancies. The samples represented (i) maternal blood DNA drawn from healthy pregnant women during 1st or 2nd trimester and (ii) maternal and paternal blood DNA drawn at term pregnancy cases representing normal and complicated gestations (severe preeclampsia, PE; gestational diabetes, GD; small-for-gestational age newborn, SGA; large-for-gestational age newborn, LGA). We performed CNV calling based on genome-wide genotyping dataset (Illumina HumanOmniExpress-24-v1 BeadChip) by applying three algorithms, QuantiSNP, GADA (Genome Alteration Detection Algorithm) and CNstream in parallel. The acquired CNV calls were merged with HD-CNV (Hotspot Detector for Copy Number Variants) program and only the CNVs predicted by at least two programs, were considered in subsequent analysis.

Literature cited by the submitters: PubMed 25666259.